The following is an entry in ClinVar:

ClinVar aggregate classification (germline): Benign/Likely benign. Review status: criteria provided, multiple submitters, no conflicts (2 of 4 stars). 4 submissions from 4 submitters: Benign (2); Likely benign (2). Last evaluated 2026-02-02.

Conditions:
Retinitis pigmentosa 33 (RP33). Identifiers: Orphanet 791, MedGen C1835895, MONDO:0012477, OMIM 610359.
Retinitis pigmentosa (RP). Identifiers: Orphanet 791, MedGen C0035334, MeSH D012174, MONDO:0019200, OMIM 268000. Inheritance: Autosomal dominant, autosomal recessive and X linked inheritance.

Allele frequency attached by ClinVar (database versions not stated): 1000 Genomes Project 30x 0.00999; 1000 Genomes Project 0.01018; ESP Exome Variant Server 0.01476; ExAC 0.01504; gnomAD exomes 0.01545 and 0.01928; TOPMed 0.01685; gnomAD 0.01723 and 0.01765.
gnomAD v4.1: 30,887 of 1,614,128 alleles (1.9%); highest among the groups gnomAD compares: Non-Finnish European, 2.2%; 366 homozygotes.

Submissions (4):

Labcorp Genetics (formerly Invitae), Labcorp
Classification: Benign. Last evaluated: 2026-02-02. Review status: criteria provided, single submitter. Criteria: Invitae Variant Classification Sherloc (09022015). Collection method: clinical testing. Allele origin: germline.

ARUP Laboratories, Molecular Genetics and Genomics, ARUP Laboratories
Classification: Likely benign for Retinitis pigmentosa 33. Last evaluated: 2023-11-01. Review status: criteria provided, single submitter. Criteria: ARUP Molecular Germline Variant Investigation Process 2024. Collection method: clinical testing. Allele origin: germline.

Illumina Laboratory Services, Illumina
Classification: Benign for Retinitis pigmentosa. Last evaluated: 2018-01-12. Review status: criteria provided, single submitter. Criteria: ICSL Variant Classification Criteria 13 December 2019. Collection method: clinical testing. Allele origin: germline.
Comment: This variant was observed in the ICSL laboratory as part of a predisposition screen in an ostensibly healthy population. It had not been previously curated by ICSL or reported in the Human Gene Mutation Database (HGMD: prior to June 1st, 2018), and was therefore a candidate for classification through an automated scoring system. Utilizing variant allele frequency, disease prevalence and penetrance estimates, and inheritance mode, an automated score was calculated to assess if this variant is too frequent to cause the disease. Based on the score and internal cut-off values, a variant classified as benign is not then subjected to further curation. The score for this variant resulted in a classification of benign for this disease.

Breakthrough Genomics
Classification: Likely benign. Review status: criteria provided, single submitter. Criteria: ACMG Guidelines, 2015. Collection method: not provided. Allele origin: germline. Inheritance: Unknown mechanism. Affected: yes.

NM_014014.5(SNRNP200):c.5775C>G (p.Ala1925=)

Gene: SNRNP200 (small nuclear ribonucleoprotein U5 subunit 200; minus strand). Cytogenetic location: 2q11.2.
Variant type: single nucleotide variant.
Coding change: c.5775C>G on transcript NM_014014.5 (MANE Select); coding-DNA position 5775, C replaced by G.
Protein change: p.Ala1925=; no amino-acid change (alanine 1925 retained).
Molecular consequence: synonymous variant.
Genome position (GRCh38, 1-based): chr2:96,277,695, G>C on the plus strand (C>G on the coding strand, the complement: SNRNP200 is on the minus strand). VCF-style: chr2-96277695-G-C. GRCh37 (hg19) VCF-style: chr2-96943433-G-C.
Identifiers: ClinVar variation 337531 (VCV000337531.23), dbSNP rs72825880, ClinGen allele CA1777887.